The following is an entry in ClinVar:

NM_017514.5(PLXNA3):c.2639G>A (p.Arg880His)

Gene: PLXNA3 (plexin A3; plus strand). Cytogenetic location: Xq28.
Variant type: single nucleotide variant.
Coding change: c.2639G>A on transcript NM_017514.5 (MANE Select); coding-DNA position 2639, G replaced by A.
Protein change: p.Arg880His; replaces arginine 880 with histidine.
Molecular consequence: missense variant.
Genome position (GRCh38, 1-based): chrX:154,466,041, G>A. VCF-style: chrX-154466041-G-A. GRCh37 (hg19) VCF-style: chrX-153694384-G-A.
Other names: short protein forms R880H.
Identifiers: ClinVar variation 3354449 (VCV003354449.1).
Genomic context (GRCh38, chrX:154,466,041, plus strand): 5'-TCGTGGGTGAGAACCTGGGCCTCTTGTCCCGAGAGGTGGGCCTGCGGGTGGCTGGCGTGC[G>A]TTGCAACTCCATTCCGGCCGAGTACATCAGTGCTGAGAGGTGAGTGCGGCTCTGTGGGTG-3'
Protein context (NP_059984.3, residues 870-890): REVGLRVAGV[Arg880His]CNSIPAEYIS

ClinVar aggregate classification (germline): Uncertain significance (0 of 4 stars; one submission).

Conditions:
PLXNA3-related disorder. Also called: PLXNA3-related condition.

gnomAD v4.1: 24 of 1,210,075 alleles (0.002%); highest among the groups gnomAD compares: South Asian, 0.0053%; no homozygotes.

Submission:

PreventionGenetics, part of Exact Sciences
Classification: Uncertain significance for PLXNA3-related condition. Last evaluated: 2024-05-31. Review status: no assertion criteria provided. Collection method: clinical testing. Allele origin: germline.
Comment: The PLXNA3 c.2639G>A variant is predicted to result in the amino acid substitution p.Arg880His. To our knowledge, this variant has not been reported in the literature. This variant is reported in 0.0072% of alleles in individuals of East Asian descent in gnomAD. At this time, the clinical significance of this variant is uncertain due to the absence of conclusive functional and genetic evidence.